The following is an entry in ClinVar:

ClinVar aggregate classification (germline): Uncertain significance (1 of 4 stars; one submission).

Conditions:
Cardiomyopathy (CMYO). Also called: Cardiomyopathies. Identifiers: Orphanet 167848, MedGen C0878544, MONDO:0004994, HP:0001638. Inheritance: Various modes of inheritance.

Submission:

Color Diagnostics, LLC DBA Color Health
Classification: Uncertain significance for Cardiomyopathy. Last evaluated: 2021-04-19. Review status: criteria provided, single submitter. Criteria: ACMG Guidelines, 2015. Collection method: clinical testing. Allele origin: germline.
Comment: This variant causes a C to G nucleotide substitution at the -4 position of intron 5 of the DSG2 gene. Splice prediction tools and conservation analysis are inconclusive regarding the impact of this variant on RNA splicing. To our knowledge, functional studies have not been reported for this variant. This variant has not been reported in individuals affected with cardiovascular disorders in the literature. This variant has not been identified in the general population by the Genome Aggregation Database (gnomAD). The available evidence is insufficient to determine the role of this variant in disease conclusively. Therefore, this variant is classified as a Variant of Uncertain Significance.

NM_001943.5(DSG2):c.524-4C>G

Gene: DSG2 (desmoglein 2; plus strand). Cytogenetic location: 18q12.1.
Variant type: single nucleotide variant.
Coding change: c.524-4C>G on transcript NM_001943.5 (MANE Select); 4 bases into the intron before coding-DNA position 524, C replaced by G.
Molecular consequence: intron variant.
Genome position (GRCh38, 1-based): chr18:31,522,079, C>G. VCF-style: chr18-31522079-C-G. GRCh37 (hg19) VCF-style: chr18-29102042-C-G.
Identifiers: ClinVar variation 1331843 (VCV001331843.2), dbSNP rs2144317633, ClinGen allele CA2573054645.